The following is an entry in ClinVar:

ClinVar aggregate classification (germline): Uncertain significance (1 of 4 stars; one submission).

Submission:

Ambry Genetics
Classification: Uncertain significance. Last evaluated: 2024-12-12. Review status: criteria provided, single submitter. Criteria: Ambry Variant Classification Scheme 2023. Collection method: clinical testing. Allele origin: germline.
Comment: The p.E316A variant (also known as c.947A>C), located in coding exon 8 of the RAD51B gene, results from an A to C substitution at nucleotide position 947. The glutamic acid at codon 316 is replaced by alanine, an amino acid with dissimilar properties. This amino acid position is conserved. In addition, this alteration is predicted to be tolerated by in silico analysis. Based on the available evidence, the clinical significance of this variant remains unclear.

NM_133510.4(RAD51B):c.947A>C (p.Glu316Ala)

Gene: RAD51B (RAD51 paralog B; plus strand). Cytogenetic location: 14q24.1.
Variant type: single nucleotide variant.
Coding change: c.947A>C on transcript NM_133510.4 (MANE Select); coding-DNA position 947, A replaced by C.
Protein change: p.Glu316Ala; replaces glutamic acid 316 with alanine.
Molecular consequence: missense variant.
Genome position (GRCh38, 1-based): chr14:68,411,517, A>C. VCF-style: chr14-68411517-A-C. GRCh37 (hg19) VCF-style: chr14-68878234-A-C.
Other names: c.947A>C, p.Glu316Ala (NM_001321809.2, NM_001321810.2, NM_001321812.1 and 6 more transcripts); c.833A>C, p.Glu278Ala (NM_001321815.1); c.590A>C, p.Glu197Ala (NM_001321817.2); short protein forms E316A, E197A, E278A.
Identifiers: ClinVar variation 3786366 (VCV003786366.1).